The following is an entry in ClinVar:

NM_017819.4(TRMT10C):c.393del (p.Lys131fs)

Gene: TRMT10C (tRNA methyltransferase 10C, mitochondrial RNase P subunit; plus strand). Cytogenetic location: 3q12.3.
Variant type: Deletion.
Coding change: c.393del on transcript NM_017819.4 (MANE Select); coding-DNA position 393, one base deleted (A; older notation c.393delA).
Protein change: p.Lys131fs; shifts the reading frame from lysine 131.
Molecular consequence: frameshift variant.
Genome position (GRCh38, 1-based): chr3:101,565,174, A deleted; the last of 10 consecutive A bases (chr3:101,565,165-101,565,174); deleting any one gives the same sequence. VCF-style (leftmost placement, unchanged base first): chr3-101565164-CA-C. GRCh37 (hg19) VCF-style: chr3-101284008-CA-C.
Other names: short protein forms K131fs.
Identifiers: ClinVar variation 4984445 (VCV004984445.1).
Genomic context (GRCh38, chr3:101,565,164, plus strand): 5'-TACCAGAACACATCACTGAAGAAGAGCTCAAAACCCTTATGGAATGTGTTTCTAACACAG[CA>C]AAAAAAAAATATTTAAAATATTTATATACGAAGGAAAAAGTGAAAAAAGCTAGGCAAATA-3'

ClinVar aggregate classification (germline): Likely benign (1 of 4 stars; one submission).

Conditions:
TRMT10C-related disorder. Also called: TRMT10C-related condition.

Submission:

PreventionGenetics, part of Exact Sciences
Classification: Likely benign for TRMT10C-related condition. Last evaluated: 2026-05-05. Review status: criteria provided, single submitter. Criteria: ACMG Guidelines, 2015. Collection method: clinical testing. Allele origin: germline.
Comment: This variant is classified as likely benign based on ACMG/AMP sequence variant interpretation guidelines (Richards et al. 2015 PMID: 25741868, with internal and published modifications).